The following is an entry in ClinVar:

ClinVar aggregate classification (germline): Uncertain significance (1 of 4 stars; one submission).

Conditions:
Long QT syndrome (LQTS). Identifiers: MedGen C0023976, MeSH D008133, MONDO:0002442. Disease mechanism: loss of function. Inheritance: Various modes of inheritance.

Submission:

Labcorp Genetics (formerly Invitae), Labcorp
Classification: Uncertain significance for Long QT syndrome. Last evaluated: 2022-07-19. Review status: criteria provided, single submitter. Criteria: Invitae Variant Classification Sherloc (09022015). Collection method: clinical testing. Allele origin: germline.
Comment: This sequence change replaces methionine, which is neutral and non-polar, with leucine, which is neutral and non-polar, at codon 3282 of the AKAP9 protein (p.Met3282Leu). In summary, the available evidence is currently insufficient to determine the role of this variant in disease. Therefore, it has been classified as a Variant of Uncertain Significance. Algorithms developed to predict the effect of missense changes on protein structure and function output the following: SIFT: "Tolerated"; PolyPhen-2: "Benign"; Align-GVGD: "Class C0". The leucine amino acid residue is found in multiple mammalian species, which suggests that this missense change does not adversely affect protein function. This variant has not been reported in the literature in individuals affected with AKAP9-related conditions. This variant is not present in population databases (gnomAD no frequency).

NM_005751.5(AKAP9):c.9844A>T (p.Met3282Leu)

Gene: AKAP9 (A-kinase anchoring protein 9; plus strand). Cytogenetic location: 7q21.2.
Variant type: single nucleotide variant.
Coding change: c.9844A>T on transcript NM_005751.5 (MANE Select); coding-DNA position 9844, A replaced by T.
Protein change: p.Met3282Leu; replaces methionine 3282 with leucine.
Molecular consequence: missense variant.
Genome position (GRCh38, 1-based): chr7:92,096,803, A>T. VCF-style: chr7-92096803-A-T. GRCh37 (hg19) VCF-style: chr7-91726117-A-T.
Other names: c.4489A>T, p.Met1497Leu (NM_001379277.1); c.9820A>T, p.Met3274Leu (NM_147185.3); short protein forms M3274L, M3282L, M1497L.
Identifiers: ClinVar variation 2064502 (VCV002064502.4), dbSNP rs2535299494, ClinGen allele CA368151655.
Genomic context (GRCh38, chr7:92,096,803, plus strand): 5'-CTTTTGGAACAACAGAAACAACTACTGAACGAATCCCAGCAAAAAATAGAATCACAGAGA[A>T]TGCTATATGATGCCCAGTTGTCAGAAGAACAAGGTCGAAACTTAGAGCTTCAGGTACTTC-3'
Protein context (NP_005742.4, residues 3272-3292): ESQQKIESQR[Met3282Leu]LYDAQLSEEQ